The following is an entry in ClinVar:

ClinVar aggregate classification (germline): Uncertain significance (1 of 4 stars; one submission).

Submission:

Labcorp Genetics (formerly Invitae), Labcorp
Classification: Uncertain significance. Last evaluated: 2022-05-12. Review status: criteria provided, single submitter. Criteria: Invitae Variant Classification Sherloc (09022015). Collection method: clinical testing. Allele origin: germline.
Comment: This sequence change replaces arginine, which is basic and polar, with glycine, which is neutral and non-polar, at codon 750 of the CLTC protein (p.Arg750Gly). This variant is not present in population databases (gnomAD no frequency). This variant has not been reported in the literature in individuals affected with CLTC-related conditions. Algorithms developed to predict the effect of missense changes on protein structure and function are either unavailable or do not agree on the potential impact of this missense change (SIFT: "Deleterious"; PolyPhen-2: "Not Available"; Align-GVGD: "Class C0"). In summary, the available evidence is currently insufficient to determine the role of this variant in disease. Therefore, it has been classified as a Variant of Uncertain Significance.

NM_004859.4(CLTC):c.2236A>G (p.Arg746Gly)

Gene: CLTC (clathrin heavy chain; plus strand). Cytogenetic location: 17q23.1.
Variant type: single nucleotide variant.
Coding change: c.2236A>G on transcript NM_004859.4 (MANE Select); coding-DNA position 2236, A replaced by G.
Protein change: p.Arg746Gly; replaces arginine 746 with glycine.
Molecular consequence: missense variant.
Genome position (GRCh38, 1-based): chr17:59,668,884, A>G. VCF-style: chr17-59668884-A-G. GRCh37 (hg19) VCF-style: chr17-57746245-A-G.
Other names: c.2248A>G, p.Arg750Gly (NM_001288653.2); short protein forms R746G, R750G.
Identifiers: ClinVar variation 1993720 (VCV001993720.4), dbSNP rs2509386878, ClinGen allele CA400413817.